The following is an entry in ClinVar:

ClinVar aggregate classification (germline): Pathogenic/Likely pathogenic. Review status: criteria provided, multiple submitters, no conflicts (2 of 4 stars). 6 submissions from 6 submitters: Pathogenic (3); Likely pathogenic (1). 2 of the submissions do not count toward it. Last evaluated 2025-12-16.

Conditions:
Hb SS disease (SCD). Also called: Hemoglobin SS; Sickle cell anemia; Sickle cell disease; HbS disease; Hemoglobin S Disease; Sickling disorder due to hemoglobin S. Identifiers: Orphanet 232, Orphanet 275752, MedGen C0002895, MONDO:0011382, OMIM 603903.
Heinz body anemia. Also called: Heinz body hemolytic anemia. Identifiers: Orphanet 178330, MedGen C0700299, MONDO:0007705, OMIM 140700, HP:0005511.
Dominant beta-thalassemia. Also called: Beta-thalassemia, dominant inclusion body type. Identifiers: Orphanet 231226, Orphanet 848, MedGen C1858990, MONDO:0011381, OMIM 603902.
Beta-thalassemia HBB/LCRB. Identifiers: MedGen CN322236, MONDO:0013517, OMIM 613985.
Erythrocytosis, familial, 6. Also called: POLYCYTHEMIA, BETA-GLOBIN TYPE; ERYTHROCYTOSIS, BETA-GLOBIN TYPE. Identifiers: MedGen C4693822, MONDO:0054801, OMIM 617980.
METHEMOGLOBINEMIA, BETA TYPE. Also called: Methemoglobinemia, beta-globin type. Identifiers: MedGen C1840779, OMIM 617971.
Malaria, susceptibility to. Identifiers: Orphanet 673, MedGen C1970028, MONDO:0021024, OMIM 611162.
Hereditary persistence of fetal hemoglobin. Identifiers: MedGen C0019025, MONDO:0020989, OMIM 141749.
beta Thalassemia (BTHAL). Also called: Cooley's anemia; Erythroblastic anemia; Mediterranean anemia. Identifiers: Orphanet 848, MedGen C0005283, MONDO:0019402. Disease mechanism: loss of function.
Beta thalassemia intermedia (BTHAL-ITMD). Identifiers: Orphanet 231222, MedGen C0472767, MONDO:0016487.
BETA-PLUS-THALASSEMIA. Identifiers: MedGen C3841475.

Submissions (6):

Natera, Inc.
Classification: Pathogenic for Beta thalassemia. Last evaluated: 2025-12-16. Review status: criteria provided, single submitter. Criteria: Natera Variant Classification Schema (03/2026). Collection method: clinical testing. Allele origin: germline.
Comment: The c.-142C>T variant in HBB is a 5' untranslated region (UTR) variant located upstream of the translation start codon. This variant is rare in the general population with a frequency below the threshold expected for the associated phenotype(s). This variant has been observed in one or more individuals affected with the associated recessive disease, as either homozygous or compound heterozygous with a second variant (PMID: 31788855, 29893155, 26041423, 7794779, 7599641, 39143497, 8438884). This variant has been observed in affected individual(s) with monoallelic occurrence (heterozygous/hemizygous) (PMID: 7794779, 39858575). Additionally, this variant has been observed to segregate in affected family members (PMID: 7794779). Computational prediction algorithms indicate this variant is likely to affect gene or protein function. Given the available evidence, this variant is classified as Pathogenic.

Fulgent Genetics
Classification: Likely pathogenic for Heinz body anemia; Hereditary persistence of fetal hemoglobin; Dominant beta-thalassemia; Hb SS disease; Malaria, susceptibility to; Beta-thalassemia HBB/LCRB; METHEMOGLOBINEMIA, BETA TYPE; Erythrocytosis, familial, 6. Last evaluated: 2024-04-16. Review status: criteria provided, single submitter. Criteria: ACMG Guidelines, 2015. Collection method: clinical testing. Allele origin: germline.

Women's Health and Genetics/Laboratory Corporation of America, LabCorp
Classification: Pathogenic for Beta thalassemia intermedia. Last evaluated: 2023-08-23. Review status: criteria provided, single submitter. Criteria: LabCorp Variant Classification Summary - May 2015. Collection method: clinical testing. Allele origin: germline.
Comment: Variant summary: HBB c.-142C>T is located in the untranscribed region upstream of the HBB gene region. The variant was absent in 31398 control chromosomes (gnomAD). c.-142C>T has been reported in the literature in bi-allelic individuals affected with Beta Thalassemia Intermedia (examples: Rosatelli_1995, Aliveya_2018, Kimberland_1995). These data indicate that the variant is very likely to be associated with disease. In functional studies, the variant showed decreased protein expression and loss of interactions with transcription factors (Fauxman Bass, 2015). Kircher et al (Kircher_2018) also report reduced promoter activity for this variant. They speculate that this could be due to a known binding site for the erythroid Krppel factor (EKLF), a zinc-finger transcription factor in positions c.-142 to c.-136 that plays a critical role in erythropoiesis and regulation of beta-globin switching. The following publications have been ascertained in the context of this evaluation (PMID: 29893155, 26041423, 11857746, 8438884, 25910213, 18603555, 11857738, 12324499, 7599641, 31395865, 19103851, 7794779, 20704537). No submitters have cited clinical-significance assessments for this variant to ClinVar after 2014. Based on the evidence outlined above, the variant was classified as pathogenic.

Quest Diagnostics Nichols Institute San Juan Capistrano
Classification: Pathogenic. Last evaluated: 2023-07-18. Review status: criteria provided, single submitter. Criteria: Quest Diagnostics criteria. Collection method: clinical testing. Allele origin: unknown.
Comment: The HBB c.-142C>T (also known -92C>T) variant is located in the promoter region of the HBB gene. It is described as mild promoter variant. Heterozygotes for this variant can be clinically asymptomatic, while compound heterozygous individuals for this variant and a Beta zero or severe Beta+ variant can develop thalassemia intermedia (PMID:7794779 (1995), 26041423 (2015), 26635043 (2016)).

OMIM
Classification: Pathogenic for BETA-PLUS-THALASSEMIA. Last evaluated: 1992-06-01. Review status: no assertion criteria provided. Collection method: literature only. Allele origin: germline. Not counted in ClinVar's aggregate classification.

GeneReviews
No classification provided. Condition: beta Thalassemia. Review status: no classification provided. Collection method: literature only. Allele origin: germline. Not counted in ClinVar's aggregate classification.

Literature cited by the submitters: PubMed 31788855 (cited by Natera, Inc.); PubMed 29893155 (cited by Natera, Inc. and Women's Health and Genetics/Laboratory Corporation of America, LabCorp); PubMed 26041423 (cited by 3 submitters); PubMed 7794779 (cited by 3 submitters); PubMed 7599641 (cited by Natera, Inc. and Women's Health and Genetics/Laboratory Corporation of America, LabCorp); PubMed 39143497 (cited by Natera, Inc.); PubMed 8438884 (cited by 3 submitters); PubMed 39858575 (cited by Natera, Inc.); PubMed 11857746 (cited by Women's Health and Genetics/Laboratory Corporation of America, LabCorp); PubMed 20704537 (cited by Women's Health and Genetics/Laboratory Corporation of America, LabCorp); PubMed 11857738 (cited by Women's Health and Genetics/Laboratory Corporation of America, LabCorp); PubMed 18603555 (cited by Women's Health and Genetics/Laboratory Corporation of America, LabCorp and Quest Diagnostics Nichols Institute San Juan Capistrano); PubMed 12324499 (cited by Women's Health and Genetics/Laboratory Corporation of America, LabCorp); PubMed 19103851 (cited by Women's Health and Genetics/Laboratory Corporation of America, LabCorp); PubMed 25910213 (cited by Women's Health and Genetics/Laboratory Corporation of America, LabCorp); PubMed 31395865 (cited by Women's Health and Genetics/Laboratory Corporation of America, LabCorp); PubMed 26635043 (cited by Quest Diagnostics Nichols Institute San Juan Capistrano); PubMed 1586746 (cited by OMIM); NCBI Bookshelf NBK1426 (cited by GeneReviews).

NM_000518.5(HBB):c.-142C>T

Genes: HBB (hemoglobin subunit beta; minus strand), LOC106099062 (HBB recombination region; plus strand), LOC107133510 (origin of replication at HBB; plus strand). Cytogenetic location: 11p15.4.
Variant type: single nucleotide variant.
Coding change: c.-142C>T on transcript NM_000518.5 (MANE Select); 142 bases upstream of the start codon, C replaced by T.
Genome position (GRCh38, 1-based): chr11:5,227,163, G>A on the plus strand (C>T on the coding strand, the complement: HBB is on the minus strand). VCF-style: chr11-5227163-G-A. GRCh37 (hg19) VCF-style: chr11-5248393-G-A.
Other names: -92C>T; -92C-T.
Identifiers: ClinVar variation 15462 (VCV000015462.8), dbSNP rs34883338, ClinGen allele CA125322.